The following is an entry in ClinVar:

NM_002578.5(PAK3):c.1316A>G (p.Tyr439Cys)

Gene: PAK3 (p21 (RAC1) activated kinase 3; plus strand). Cytogenetic location: Xq23.
Variant type: single nucleotide variant.
Coding change: c.1316A>G on transcript NM_002578.5 (MANE Select); coding-DNA position 1316, A replaced by G.
Protein change: p.Tyr439Cys; replaces tyrosine 439 with cysteine.
Molecular consequence: missense variant. On other transcripts: non-coding transcript variant (2).
Genome position (GRCh38, 1-based): chrX:111,196,549, A>G. VCF-style: chrX-111196549-A-G. GRCh37 (hg19) VCF-style: chrX-110439777-A-G.
Other names: c.1316A>G, p.Tyr439Cys (NM_001128166.3, NM_001128167.3, NM_001324325.2 and 5 more transcripts); c.1424A>G, p.Tyr475Cys (NM_001128168.3); c.1379A>G, p.Tyr460Cys (NM_001128172.2); c.1361A>G, p.Tyr454Cys (NM_001128173.3, NM_001324327.2, NM_001324328.2 and 2 more transcripts); short protein forms Y439C, Y460C, Y475C, Y454C.
Identifiers: ClinVar variation 1810661 (VCV001810661.1), dbSNP rs2524224237, ClinGen allele CA414239655.

ClinVar aggregate classification (germline): Uncertain significance (1 of 4 stars; one submission).

Submission:

GeneDx
Classification: Uncertain significance. Last evaluated: 2022-07-03. Review status: criteria provided, single submitter. Criteria: GeneDx Variant Classification Process June 2021. Collection method: clinical testing. Allele origin: germline. Affected: yes.
Comment: Not observed at significant frequency in large population cohorts (gnomAD); In silico analysis supports that this missense variant has a deleterious effect on protein structure/function; Has not been previously published as pathogenic or benign to our knowledge